The following is an entry in ClinVar:

ClinVar aggregate classification (germline): Conflicting classifications of pathogenicity. Review status: criteria provided, conflicting classifications (1 of 4 stars). 2 submissions from 2 submitters: Uncertain significance (1); Likely benign (1). Last evaluated 2025-06-26.

Conditions:
Cardiomyopathy (CMYO). Also called: Cardiomyopathies. Identifiers: Orphanet 167848, MedGen C0878544, MONDO:0004994, HP:0001638. Inheritance: Various modes of inheritance.
Arrhythmogenic cardiomyopathy with wooly hair and keratoderma. Also called: PALMOPLANTAR KERATODERMA WITH LEFT VENTRICULAR CARDIOMYOPATHY AND WOOLLY HAIR; Dilated cardiomyopathy with woolly hair and keratoderma; Carvajal syndrome; Arrhythmogenic cardiomyopathy with woolly hair and keratoderma. Identifiers: Orphanet 65282, MedGen C1854063, MONDO:0011581, OMIM 605676.
Arrhythmogenic right ventricular dysplasia 8 (ARVD8). Also called: Arrhythmogenic Right Ventricular Dysplasia/Cardiomyopathy 8; ARRHYTHMOGENIC RIGHT VENTRICULAR DYSPLASIA, FAMILIAL, 8; ARRHYTHMOGENIC RIGHT VENTRICULAR CARDIOMYOPATHY 8. Identifiers: MedGen C1843896, MONDO:0011831, OMIM 607450.

Submissions (2):

Color Diagnostics, LLC DBA Color Health
Classification: Likely benign for Cardiomyopathy. Last evaluated: 2025-06-26. Review status: criteria provided, single submitter. Criteria: ACMG Guidelines, 2015. Collection method: clinical testing. Allele origin: germline.

Labcorp Genetics (formerly Invitae), Labcorp
Classification: Uncertain significance for Arrhythmogenic cardiomyopathy with wooly hair and keratoderma; Arrhythmogenic right ventricular dysplasia 8. Last evaluated: 2024-02-09. Review status: criteria provided, single submitter. Criteria: Invitae Variant Classification Sherloc (09022015). Collection method: clinical testing. Allele origin: germline.
Comment: This sequence change replaces isoleucine, which is neutral and non-polar, with asparagine, which is neutral and polar, at codon 18 of the DSP protein (p.Ile18Asn). This variant is not present in population databases (gnomAD no frequency). This variant has not been reported in the literature in individuals affected with DSP-related conditions. An algorithm developed to predict the effect of missense changes on protein structure and function (PolyPhen-2) suggests that this variant is likely to be tolerated. In summary, the available evidence is currently insufficient to determine the role of this variant in disease. Therefore, it has been classified as a Variant of Uncertain Significance.

NM_004415.4(DSP):c.53T>A (p.Ile18Asn)

Genes: DSP (desmoplakin; plus strand), DSP-AS1 (DSP antisense RNA 1; minus strand). Cytogenetic location: 6p24.3.
Variant type: single nucleotide variant.
Coding change: c.53T>A on transcript NM_004415.4 (MANE Select); coding-DNA position 53, T replaced by A.
Protein change: p.Ile18Asn; replaces isoleucine 18 with asparagine.
Molecular consequence: missense variant.
Genome position (GRCh38, 1-based): chr6:7,541,968, T>A. VCF-style: chr6-7541968-T-A. GRCh37 (hg19) VCF-style: chr6-7542201-T-A.
Other names: c.53T>A, p.Ile18Asn (NM_001008844.3, NM_001319034.2, NM_001406591.1); short protein forms I18N.
Identifiers: ClinVar variation 3749685 (VCV003749685.3).
Genomic context (GRCh38, chr6:7,541,968, plus strand): 5'-CCGCCGACATGAGCTGCAACGGAGGCTCCCACCCGCGGATCAACACTCTGGGCCGCATGA[T>A]CCGCGCCGAGTCTGGCCCGGACCTGCGCTACGAGGTGACCAGCGGCGGCGGGGGCACCAG-3'
Protein context (NP_004406.2, residues 8-28): HPRINTLGRM[Ile18Asn]RAESGPDLRY